The following is an entry in ClinVar:

ClinVar aggregate classification (germline): Uncertain significance (1 of 4 stars; one submission).

Allele frequency attached by ClinVar (database versions not stated): gnomAD exomes below 0.00001.
gnomAD v4.1: 1 of 1,614,102 alleles (0.000062%); highest among the groups gnomAD compares: Non-Finnish European, 0.000085%; no homozygotes.

Submission:

GeneDx
Classification: Uncertain significance. Last evaluated: 2023-02-17. Review status: criteria provided, single submitter. Criteria: GeneDx Variant Classification Process June 2021. Collection method: clinical testing. Allele origin: germline. Affected: yes.
Comment: Not observed at significant frequency in large population cohorts (gnomAD); In silico analysis supports that this missense variant has a deleterious effect on protein structure/function; Has not been previously published as pathogenic or benign to our knowledge

NM_001429.4(EP300):c.3398G>A (p.Arg1133Gln)

Gene: EP300 (E1A binding protein p300; plus strand). Cytogenetic location: 22q13.2.
Variant type: single nucleotide variant.
Coding change: c.3398G>A on transcript NM_001429.4 (MANE Select); coding-DNA position 3398, G replaced by A.
Protein change: p.Arg1133Gln; replaces arginine 1133 with glutamine.
Molecular consequence: missense variant.
Genome position (GRCh38, 1-based): chr22:41,157,305, G>A. VCF-style: chr22-41157305-G-A. GRCh37 (hg19) VCF-style: chr22-41553309-G-A.
Other names: c.3320G>A, p.Arg1107Gln (NM_001362843.2); short protein forms R1107Q, R1133Q.
Identifiers: ClinVar variation 2577606 (VCV002577606.1), dbSNP rs2145747503, ClinGen allele CA411694846.